The following is an entry in ClinVar:

NM_007254.4(PNKP):c.794T>C (p.Met265Thr)

Gene: PNKP (polynucleotide kinase 3'-phosphatase; minus strand). Cytogenetic location: 19q13.33.
Variant type: single nucleotide variant.
Coding change: c.794T>C on transcript NM_007254.4 (MANE Select); coding-DNA position 794, T replaced by C.
Protein change: p.Met265Thr; replaces methionine 265 with threonine.
Molecular consequence: missense variant.
Genome position (GRCh38, 1-based): chr19:49,863,711, A>G on the plus strand (T>C on the coding strand, the complement: PNKP is on the minus strand). VCF-style: chr19-49863711-A-G. GRCh37 (hg19) VCF-style: chr19-50366968-A-G.
Other names: short protein forms M265T.
Identifiers: ClinVar variation 1000951 (VCV001000951.12), dbSNP rs756988038, ClinGen allele CA9586797.
Genomic context (GRCh38, chr19:49,863,711, plus strand): 5'-AGGAAAAGGAGGGGGGCCGGGCAGGCTGCAAGACTCACCTGCTCCTGCAGATGGTCCCAC[A>G]TGCCCGTCACCGGCTTCCGGTACAAGCCTGCGTGCGTGGCCACCAGCACCTGTGGATGGG-3'
Protein context (NP_009185.2, residues 255-275): AGLYRKPVTG[Met265Thr]WDHLQEQAND

ClinVar aggregate classification (germline): Uncertain significance (1 of 4 stars; one submission).

Conditions:
Developmental and epileptic encephalopathy, 12 (DEE12). Identifiers: MedGen C3150988, MONDO:0013389, OMIM 613722.

Allele frequency attached by ClinVar (database versions not stated): TOPMed below 0.00001; gnomAD 0.00001; gnomAD exomes 0.00001; ExAC 0.00005.
gnomAD v4.1: 4 of 1,556,754 alleles (0.00026%); highest among the groups gnomAD compares: Non-Finnish European, 0.00035%; no homozygotes.

Submission:

Labcorp Genetics (formerly Invitae), Labcorp
Classification: Uncertain significance for Developmental and epileptic encephalopathy, 12. Last evaluated: 2022-02-10. Review status: criteria provided, single submitter. Criteria: Invitae Variant Classification Sherloc (09022015). Collection method: clinical testing. Allele origin: germline.
Comment: This sequence change replaces methionine, which is neutral and non-polar, with threonine, which is neutral and polar, at codon 265 of the PNKP protein (p.Met265Thr). The frequency data for this variant in the population databases is considered unreliable, as metrics indicate poor data quality at this position in the gnomAD database. This variant has not been reported in the literature in individuals affected with PNKP-related conditions. ClinVar contains an entry for this variant (Variation ID: 1000951). Algorithms developed to predict the effect of missense changes on protein structure and function (SIFT, PolyPhen-2, Align-GVGD) all suggest that this variant is likely to be disruptive. In summary, the available evidence is currently insufficient to determine the role of this variant in disease. Therefore, it has been classified as a Variant of Uncertain Significance.